The following is an entry in ClinVar:

ClinVar aggregate classification (germline): Uncertain significance (1 of 4 stars; one submission).

Allele frequency attached by ClinVar (database versions not stated): gnomAD 0.00001; ExAC 0.00002; gnomAD exomes 0.00002; TOPMed 0.00002; ESP Exome Variant Server 0.00008.
gnomAD v4.1: 16 of 1,613,568 alleles (0.00099%); highest among the groups gnomAD compares: African/African-American, 0.0013%; no homozygotes.

Submission:

Labcorp Genetics (formerly Invitae), Labcorp
Classification: Uncertain significance. Last evaluated: 2020-12-26. Review status: criteria provided, single submitter. Criteria: Invitae Variant Classification Sherloc (09022015). Collection method: clinical testing. Allele origin: germline.
Comment: This variant is present in population databases (rs371023835, ExAC 0.02%). In summary, the available evidence is currently insufficient to determine the role of this variant in disease. Therefore, it has been classified as a Variant of Uncertain Significance. Algorithms developed to predict the effect of missense changes on protein structure and function are either unavailable or do not agree on the potential impact of this missense change (SIFT: "Tolerated"; PolyPhen-2: "Probably Damaging"; Align-GVGD: "Class C0"). This variant has not been reported in the literature in individuals with TSEN2-related conditions. This sequence change replaces alanine with glycine at codon 304 of the TSEN2 protein (p.Ala304Gly). The alanine residue is highly conserved and there is a small physicochemical difference between alanine and glycine.

NM_025265.4(TSEN2):c.911C>G (p.Ala304Gly)

Gene: TSEN2 (tRNA splicing endonuclease subunit 2; plus strand). Cytogenetic location: 3p25.2.
Variant type: single nucleotide variant.
Coding change: c.911C>G on transcript NM_025265.4 (MANE Select); coding-DNA position 911, C replaced by G.
Protein change: p.Ala304Gly; replaces alanine 304 with glycine.
Molecular consequence: missense variant. On other transcripts: non-coding transcript variant (1).
Genome position (GRCh38, 1-based): chr3:12,516,612, C>G. VCF-style: chr3-12516612-C-G. GRCh37 (hg19) VCF-style: chr3-12558111-C-G.
Other names: c.911C>G, p.Ala304Gly (NM_001145392.2, NM_001321277.2, NM_001321278.2); c.833C>G, p.Ala278Gly (NM_001145393.3, NM_001321279.2); c.734C>G, p.Ala245Gly (NM_001145394.2); short protein forms A245G, A278G, A304G.
Identifiers: ClinVar variation 1506668 (VCV001506668.8), dbSNP rs371023835, ClinGen allele CA2258656.
Genomic context (GRCh38, chr3:12,516,612, plus strand): 5'-GGTTTCACAAGAATGTGAAACTATTTGTAATGAGCATTTTCTGCTTGCTGTATTTTCAGG[C>G]CTTTTTCTTGGTCTATGCTCTGGGATGTTTAAGTATTTACTATGAGAAGGTAAGATGCTT-3'
Protein context (NP_079541.1, residues 294-314): FEYLQLSLEE[Ala304Gly]FFLVYALGCL